The following is an entry in ClinVar:

NM_006227.4(PLTP):c.983G>A (p.Arg328Gln)

Gene: PLTP (phospholipid transfer protein; minus strand). Cytogenetic location: 20q13.12.
Variant type: single nucleotide variant.
Coding change: c.983G>A on transcript NM_006227.4 (MANE Select); coding-DNA position 983, G replaced by A.
Protein change: p.Arg328Gln; replaces arginine 328 with glutamine.
Molecular consequence: missense variant.
Genome position (GRCh38, 1-based): chr20:45,902,564, C>T on the plus strand (G>A on the coding strand, the complement: PLTP is on the minus strand). VCF-style: chr20-45902564-C-T. GRCh37 (hg19) VCF-style: chr20-44531203-C-T.
Other names: c.698G>A, p.Arg233Gln (NM_001242920.2); c.719G>A, p.Arg240Gln (NM_001242921.1); c.827G>A, p.Arg276Gln (NM_182676.3); short protein forms R233Q, R240Q, R276Q, R328Q.
Identifiers: ClinVar variation 2068139 (VCV002068139.4), dbSNP rs200022812, ClinGen allele CA9883648.

ClinVar aggregate classification (germline): Uncertain significance (1 of 4 stars; one submission).

Allele frequency attached by ClinVar (database versions not stated): ESP Exome Variant Server 0.00015; gnomAD 0.00015; TOPMed 0.00019; ExAC 0.00023; gnomAD exomes 0.00024.
gnomAD v4.1: 382 of 1,613,604 alleles (0.024%); highest among the groups gnomAD compares: Middle Eastern, 0.46%; 1 homozygote.

Submission:

Labcorp Genetics (formerly Invitae), Labcorp
Classification: Uncertain significance. Last evaluated: 2025-10-02. Review status: criteria provided, single submitter. Criteria: Invitae Variant Classification Sherloc (09022015). Collection method: clinical testing. Allele origin: germline.
Comment: This sequence change replaces arginine, which is basic and polar, with glutamine, which is neutral and polar, at codon 328 of the PLTP protein (p.Arg328Gln). This variant is present in population databases (rs200022812, gnomAD 0.07%), and has an allele count higher than expected for a pathogenic variant. This variant has not been reported in the literature in individuals affected with PLTP-related conditions. ClinVar contains an entry for this variant (Variation ID: 2068139). An algorithm developed to predict the effect of missense changes on protein structure and function outputs the following: PolyPhen-2: "Benign". The glutamine amino acid residue is found in multiple mammalian species, which suggests that this missense change does not adversely affect protein function. In summary, the available evidence is currently insufficient to determine the role of this variant in disease. Therefore, it has been classified as a Variant of Uncertain Significance.